The following is an entry in ClinVar:

NM_002880.4(RAF1):c.951G>C (p.Glu317Asp)

Gene: RAF1 (Raf-1 proto-oncogene, serine/threonine kinase; minus strand). Cytogenetic location: 3p25.2.
Variant type: single nucleotide variant.
Coding change: c.951G>C on transcript NM_002880.4 (MANE Select); coding-DNA position 951, G replaced by C.
Protein change: p.Glu317Asp; replaces glutamic acid 317 with aspartic acid.
Molecular consequence: missense variant. On other transcripts: non-coding transcript variant (3).
Genome position (GRCh38, 1-based): chr3:12,600,191, C>G on the plus strand (G>C on the coding strand, the complement: RAF1 is on the minus strand). VCF-style: chr3-12600191-C-G. GRCh37 (hg19) VCF-style: chr3-12641690-C-G.
Other names: c.1011G>C, p.Glu337Asp (NM_001354689.3); c.951G>C, p.Glu317Asp (NM_001354690.3); c.708G>C, p.Glu236Asp (NM_001354691.3, NM_001354692.3); c.852G>C, p.Glu284Asp (NM_001354693.3); c.768G>C, p.Glu256Asp (NM_001354694.3); c.609G>C, p.Glu203Asp (NM_001354695.3); short protein forms E337D, E203D, E256D, E284D, E236D, E317D.
Identifiers: ClinVar variation 3635601 (VCV003635601.2).
Genomic context (GRCh38, chr3:12,600,191, plus strand): 5'-GGTACTGTTGTCTATACTCACAATTTTGTTTTTCTCCTGGGTCCCAGATACTGGTGCCCG[C>G]TCTCTTTGTGCTGGCACGGGGGTTTTCGGCTGTGACCAGCCTGTTGGGCTCAGATTGTTG-3'
Protein context (NP_002871.1, residues 307-327): QPKTPVPAQR[Glu317Asp]RAPVSGTQEK

ClinVar aggregate classification (germline): Uncertain significance (1 of 4 stars; one submission).

Conditions:
RASopathy. Also called: Noonan spectrum disorder; rasopathies. Identifiers: Orphanet 536391, MedGen C5555857, MONDO:0021060.

Submission:

Labcorp Genetics (formerly Invitae), Labcorp
Classification: Uncertain significance for RASopathy. Last evaluated: 2024-04-17. Review status: criteria provided, single submitter. Criteria: Invitae Variant Classification Sherloc (09022015). Collection method: clinical testing. Allele origin: germline.
Comment: This sequence change replaces glutamic acid, which is acidic and polar, with aspartic acid, which is acidic and polar, at codon 317 of the RAF1 protein (p.Glu317Asp). This variant is not present in population databases (gnomAD no frequency). This variant has not been reported in the literature in individuals affected with RAF1-related conditions. Advanced modeling of protein sequence and biophysical properties (such as structural, functional, and spatial information, amino acid conservation, physicochemical variation, residue mobility, and thermodynamic stability) has been performed at Invitae for this missense variant, however the output from this modeling did not meet the statistical confidence thresholds required to predict the impact of this variant on RAF1 protein function. In summary, the available evidence is currently insufficient to determine the role of this variant in disease. Therefore, it has been classified as a Variant of Uncertain Significance.